The following is an entry in ClinVar:

ClinVar aggregate classification (germline): Conflicting classifications of pathogenicity. Review status: criteria provided, conflicting classifications (1 of 4 stars). 8 submissions from 8 submitters: Uncertain significance (6); Likely benign (1). 1 of the submissions does not count toward it. Last evaluated 2025-08-20.

Conditions:
Pheochromocytoma. Also called: MAX-Related Hereditary Paraganglioma-Pheochromocytoma Syndrome. Identifiers: Orphanet 29072, MedGen C0031511, MONDO:0008233, OMIM 171300, HP:0002666.
Hirschsprung disease, susceptibility to, 1 (HSCR1). Also called: RET-Related Hirschsprung Disease. Identifiers: Orphanet 388, MedGen C3888239, MONDO:0007723, OMIM 142623.
Familial medullary thyroid carcinoma (MTC). Also called: Thyroid cancer, familial medullary; MTC, familial; Familial Medullary Thyroid Carcinoma (FMTC). Identifiers: Orphanet 653, Orphanet 99361, MedGen C1833921, MONDO:0007958, OMIM 155240.
Multiple endocrine neoplasia type 2B. Also called: MEN IIB; NEUROMATA, MUCOSAL, WITH ENDOCRINE TUMORS; WAGENMANN-FROBOESE SYNDROME; MULTIPLE ENDOCRINE NEOPLASIA, TYPE III; MULTIPLE ENDOCRINE NEOPLASIA, TYPE IIB; MEN 2B. Identifiers: Orphanet 247709, Orphanet 653, MedGen C0025269, MeSH D018814, MONDO:0008082, OMIM 162300.
Multiple endocrine neoplasia type 2A. Also called: Multiple Endocrine Neoplasia Type 2A (MEN2A); MULTIPLE ENDOCRINE NEOPLASIA, TYPE IIA; PTC SYNDROME; SIPPLE SYNDROME; MEN 2A; MEN-2A syndrome. Identifiers: Orphanet 247698, Orphanet 653, MedGen C0025268, MeSH D018813, MONDO:0008234, OMIM 171400.
RET-related disorder. Also called: RET-related disorders; RET-related condition; RET-related disease.
Hereditary cancer-predisposing syndrome. Also called: Tumor predisposition; Hereditary neoplastic syndrome; Hereditary Cancer Syndrome; Neoplastic Syndromes, Hereditary. Identifiers: Orphanet 140162, MedGen C0027672, MeSH D009386, MONDO:0015356.
Multiple endocrine neoplasia, type 2 (MEN2). Identifiers: Orphanet 653, MedGen C4048306, MONDO:0019003. Disease mechanism: gain of function.

Allele frequency attached by ClinVar (database versions not stated): TOPMed 0.00002; 1000 Genomes Project 0.00040; gnomAD 0.00003; 1000 Genomes Project 30x 0.00031.
gnomAD v4.1: 15 of 1,595,130 alleles (0.00094%); highest among the groups gnomAD compares: Middle Eastern, 0.017%; no homozygotes.

Submissions (8):

Color Diagnostics, LLC DBA Color Health
Classification: Uncertain significance for Multiple endocrine neoplasia, type 2. Last evaluated: 2025-08-20. Review status: criteria provided, single submitter. Criteria: ACMG Guidelines, 2015. Collection method: clinical testing. Allele origin: germline.
Comment: This missense variant replaces arginine with tryptophan at codon 525 of the RET protein. Computational prediction is inconclusive regarding the impact of this variant on protein structure and function. A functional study has demonstrated that this variant alone has minimal transformational and oncogenic potential, and slightly enhances the transformational and oncogenic potential of the pathogenic p.Ser891Ala variant when expressed in tandem (PMID: 26356818). This variant has been reported in five related individuals, three of these individuals were unaffected and two individuals were affected with medullary thyroid carcinoma (PMID: 26356818). The individuals affected with medullary thyroid carcinoma also carried a pathogenic variant in trans, RET c.2671T>G (p.Ser891Ala), that could explain the observed phenotype (PMID: 26356818, 33827484). This variant has been identified in 15/1595130 chromosomes in the general population by the Genome Aggregation Database (gnomAD v4.1.0). The available evidence is insufficient to determine the role of this variant in disease conclusively. Therefore, this variant is classified as a Variant of Uncertain Significance.

PreventionGenetics, part of Exact Sciences
Classification: Uncertain significance for RET-related condition. Last evaluated: 2025-06-05. Review status: criteria provided, single submitter. Criteria: ACMG Guidelines, 2015. Collection method: clinical testing. Allele origin: germline.
Comment: The RET c.1573C>T variant is predicted to result in the amino acid substitution p.Arg525Trp. This variant was previously reported in five individuals from one family; three individuals were unaffected, while two individuals (who also harbored a second RET variant) presented with familial medullary thyroid carcinoma associated with cutaneous amyloidosis (Qi et al. 2015. PubMed ID: 26356818). This variant is reported in 0.0057% of alleles in individuals of East Asian descent in gnomAD. At this time, the clinical significance of this variant is uncertain due to the absence of conclusive functional and genetic evidence.

Ambry Genetics
Classification: Likely benign for Hereditary cancer-predisposing syndrome. Last evaluated: 2025-03-27. Review status: criteria provided, single submitter. Criteria: Ambry Variant Classification Scheme 2023. Collection method: clinical testing. Allele origin: germline.

Quest Diagnostics Nichols Institute San Juan Capistrano
Classification: Uncertain significance. Last evaluated: 2025-03-10. Review status: criteria provided, single submitter. Criteria: Quest Diagnostics criteria. Collection method: clinical testing. Allele origin: unknown.

Labcorp Genetics (formerly Invitae), Labcorp
Classification: Uncertain significance for Multiple endocrine neoplasia, type 2. Last evaluated: 2024-12-15. Review status: criteria provided, single submitter. Criteria: Invitae Variant Classification Sherloc (09022015). Collection method: clinical testing. Allele origin: germline.
Comment: This sequence change replaces arginine, which is basic and polar, with tryptophan, which is neutral and slightly polar, at codon 525 of the RET protein (p.Arg525Trp). The frequency data for this variant in the population databases is considered unreliable, as metrics indicate poor data quality at this position in the gnomAD database. This missense change has been observed in individual(s) with medullary thyroid carcinoma (MTC), however a different pathogenic RET variant was also identified in these individuals. This variant has also been reported in an unaffected individual (PMID: 25425582, 26356818). ClinVar contains an entry for this variant (Variation ID: 135191). An algorithm developed to predict the effect of missense changes on protein structure and function (PolyPhen-2) suggests that this variant is likely to be disruptive. Experimental studies are conflicting or provide insufficient evidence to determine the effect of this variant on RET function (PMID: 26356818). In summary, the available evidence is currently insufficient to determine the role of this variant in disease. Therefore, it has been classified as a Variant of Uncertain Significance.

Fulgent Genetics
Classification: Uncertain significance for Hirschsprung disease, susceptibility to, 1; Familial medullary thyroid carcinoma; Multiple endocrine neoplasia type 2B; Pheochromocytoma; Multiple endocrine neoplasia type 2A. Last evaluated: 2024-04-23. Review status: criteria provided, single submitter. Criteria: ACMG Guidelines, 2015. Collection method: clinical testing. Allele origin: germline.

GeneDx
Classification: Uncertain significance. Last evaluated: 2023-05-30. Review status: criteria provided, single submitter. Criteria: GeneDx Variant Classification Process June 2021. Collection method: clinical testing. Allele origin: germline. Affected: yes.
Comment: Not observed at significant frequency in large population cohorts (gnomAD); In silico analysis supports that this missense variant has a deleterious effect on protein structure/function; Co-observed in trans with a RET pathogenic variant in individuals with medullary thyroid cancer from a single family (Qi et al., 2015); Published functional studies demonstrate: cellular proliferation similar to wildtype, slightly increased Akt phosphorylation, inhibition of RET glycosylation and dimerization, and aberrant cellular localization (Qi et al., 2015); This variant is associated with the following publications: (PMID: 14633923, 24728327, 25425582, 33827484, 26356818)

ITMI
No classification provided. Condition: AllHighlyPenetrant. Last evaluated: 2013-09-19. Review status: no classification provided. Collection method: reference population. Allele origin: germline. Not counted in ClinVar's aggregate classification.
Comment: Please see associated publication for description of ethnicities

Literature cited by the submitters: PubMed 26356818 (cited by 3 submitters); PubMed 33827484 (cited by Color Diagnostics, LLC DBA Color Health and Ambry Genetics); PubMed 24728327 (cited by Ambry Genetics and ITMI); PubMed 25425582 (cited by Ambry Genetics and Labcorp Genetics (formerly Invitae), Labcorp).

NM_020975.6(RET):c.1573C>T (p.Arg525Trp)

Gene: RET (ret proto-oncogene; plus strand). Cytogenetic location: 10q11.21.
Variant type: single nucleotide variant.
Coding change: c.1573C>T on transcript NM_020975.6 (MANE Select); coding-DNA position 1573, C replaced by T.
Protein change: p.Arg525Trp; replaces arginine 525 with tryptophan.
Molecular consequence: missense variant.
Genome position (GRCh38, 1-based): chr10:43,112,149, C>T. VCF-style: chr10-43112149-C-T. GRCh37 (hg19) VCF-style: chr10-43607597-C-T.
Other names: c.1573C>T, p.Arg525Trp (NM_000323.2, NM_001406743.1, NM_001406744.1 and 6 more transcripts); c.811C>T, p.Arg271Trp (NM_001355216.2); c.1135C>T, p.Arg379Trp (NM_001406771.1, NM_001406773.1); c.1177C>T, p.Arg393Trp (NM_001406772.1, NM_001406769.1); c.1048C>T, p.Arg350Trp (NM_001406774.1); c.847C>T, p.Arg283Trp (NM_001406775.1, NM_001406776.1, NM_001406777.1 and 1 more transcripts); c.676C>T, p.Arg226Trp (NM_001406779.1, NM_001406780.1, NM_001406781.1 and 3 more transcripts); c.547C>T, p.Arg183Trp (NM_001406783.1, NM_001406786.1); and 5 more; short protein forms R525W, R271W, R393W, R429W, R482W, R130W, R183W, R226W.
Identifiers: ClinVar variation 135191 (VCV000135191.23), dbSNP rs545625150, ClinGen allele CA007640.
Genomic context (GRCh38, chr10:43,112,149, plus strand): 5'-CCACCTGCAGATGTGGCCGAGGAGGCGGGCTGCCCCCTGTCCTGTGCAGTCAGCAAGAGA[C>T]GGCTGGAGTGTGAGGAGTGTGGCGGCCTGGGCTCCCCAACAGGCAGGTGTGAGTGGAGGC-3'
Protein context (NP_066124.1, residues 515-535): CPLSCAVSKR[Arg525Trp]LECEECGGLG